The following is an entry in ClinVar:

NM_001128225.3(SLC39A13):c.*10A>G

Gene: SLC39A13 (solute carrier family 39 member 13; plus strand). Cytogenetic location: 11p11.2.
Variant type: single nucleotide variant.
Coding change: c.*10A>G on transcript NM_001128225.3 (MANE Select); 10 bases downstream of the stop codon, A replaced by G.
Molecular consequence: 3 prime UTR variant. On other transcripts: non-coding transcript variant (1).
Genome position (GRCh38, 1-based): chr11:47,415,373, A>G. VCF-style: chr11-47415373-A-G. GRCh37 (hg19) VCF-style: chr11-47436924-A-G.
Other names: c.*123A>G (NM_001330245.2, NM_001441275.1, NM_001441276.1); c.*10A>G (NM_001441271.1, NM_001441272.1, NM_001441273.1 and 2 more transcripts).
Identifiers: ClinVar variation 4683619 (VCV004683619.1).
Genomic context (GRCh38, chr11:47,415,373, plus strand): 5'-CTCTGTGCGGGCATCGTGGTAATGGTGCTGTTCTCGCTCTTCGTGGATTAACTTTCCCTG[A>G]TGCCGACGCCCCTGCCCCCTGCAGCAATAAGATGCTCGGATTCACTCTGTGACCGCATAT-3'

ClinVar aggregate classification (germline): Likely benign (1 of 4 stars; one submission).

Submission:

Mayo Clinic Laboratories, Mayo Clinic
Classification: Likely benign. Last evaluated: 2025-09-16. Review status: criteria provided, single submitter. Criteria: ACMG Guidelines, 2015. Collection method: clinical testing. Allele origin: germline. Observed: 1 variant allele.
Comment: BP4, BP7, PM2_supporting